The following is an entry in ClinVar:

ClinVar aggregate classification (germline): Uncertain significance (1 of 4 stars; one submission).

Conditions:
Emery-Dreifuss muscular dystrophy 5, autosomal dominant (EDMD5). Also called: EMERY-DREIFUSS MUSCULAR DYSTROPHY 5. Identifiers: Orphanet 261, MedGen C2751805, MONDO:0013072, OMIM 612999.

gnomAD v4.1: 3 of 1,612,490 alleles (0.00019%); highest among the groups gnomAD compares: Non-Finnish European, 0.00025%; no homozygotes.

Submission:

Labcorp Genetics (formerly Invitae), Labcorp
Classification: Uncertain significance for Emery-Dreifuss muscular dystrophy 5, autosomal dominant. Last evaluated: 2023-01-21. Review status: criteria provided, single submitter. Criteria: Invitae Variant Classification Sherloc (09022015). Collection method: clinical testing. Allele origin: germline.
Comment: In summary, the available evidence is currently insufficient to determine the role of this variant in disease. Therefore, it has been classified as a Variant of Uncertain Significance. Algorithms developed to predict the effect of missense changes on protein structure and function (SIFT, PolyPhen-2, Align-GVGD) all suggest that this variant is likely to be tolerated. This variant has not been reported in the literature in individuals affected with SYNE2-related conditions. This variant is not present in population databases (gnomAD no frequency). This sequence change replaces histidine, which is basic and polar, with arginine, which is basic and polar, at codon 1689 of the SYNE2 protein (p.His1689Arg).

NM_182914.3(SYNE2):c.5066A>G (p.His1689Arg)

Gene: SYNE2 (spectrin repeat containing nuclear envelope protein 2; plus strand). Cytogenetic location: 14q23.2.
Variant type: single nucleotide variant.
Coding change: c.5066A>G on transcript NM_182914.3 (MANE Select); coding-DNA position 5066, A replaced by G.
Protein change: p.His1689Arg; replaces histidine 1689 with arginine.
Molecular consequence: missense variant.
Genome position (GRCh38, 1-based): chr14:64,020,008, A>G. VCF-style: chr14-64020008-A-G. GRCh37 (hg19) VCF-style: chr14-64486726-A-G.
Other names: c.5066A>G, p.His1689Arg (NM_015180.6); short protein forms H1689R.
Identifiers: ClinVar variation 2112402 (VCV002112402.4), dbSNP rs1269088572, ClinGen allele CA389939274.